The following is an entry in ClinVar:

NM_000160.5(GCGR):c.1117G>A (p.Ala373Thr)

Gene: GCGR (glucagon receptor; plus strand). Cytogenetic location: 17q25.3.
Variant type: single nucleotide variant.
Coding change: c.1117G>A on transcript NM_000160.5 (MANE Select); coding-DNA position 1117, G replaced by A.
Protein change: p.Ala373Thr; replaces alanine 373 with threonine.
Molecular consequence: missense variant.
Genome position (GRCh38, 1-based): chr17:81,812,886, G>A. VCF-style: chr17-81812886-G-A. GRCh37 (hg19) VCF-style: chr17-79770762-G-A.
Other names: short protein forms A373T.
Identifiers: ClinVar variation 3519363 (VCV003519363.3).

ClinVar aggregate classification (germline): Uncertain significance. Review status: criteria provided, multiple submitters, no conflicts (2 of 4 stars). 2 submissions from 2 submitters: Uncertain significance (2). Last evaluated 2025-10-01.

gnomAD v4.1: 42 of 1,536,094 alleles (0.0027%); highest among the groups gnomAD compares: Admixed American, 0.012%; no homozygotes.

Submissions (2):

Labcorp Genetics (formerly Invitae), Labcorp
Classification: Uncertain significance. Last evaluated: 2025-10-01. Review status: criteria provided, single submitter. Criteria: Invitae Variant Classification Sherloc (09022015). Collection method: clinical testing. Allele origin: germline.
Comment: This sequence change replaces alanine, which is neutral and non-polar, with threonine, which is neutral and polar, at codon 373 of the GCGR protein (p.Ala373Thr). This variant is present in population databases (no rsID available, gnomAD 0.01%). This variant has not been reported in the literature in individuals affected with GCGR-related conditions. ClinVar contains an entry for this variant (Variation ID: 3519363). An algorithm developed to predict the effect of missense changes on protein structure and function (PolyPhen-2) suggests that this variant is likely to be disruptive. In summary, the available evidence is currently insufficient to determine the role of this variant in disease. Therefore, it has been classified as a Variant of Uncertain Significance.

Ambry Genetics
Classification: Uncertain significance. Last evaluated: 2024-08-20. Review status: criteria provided, single submitter. Criteria: Ambry Variant Classification Scheme 2023. Collection method: clinical testing. Allele origin: germline.